The following is an entry in ClinVar:

NM_005879.3(TRAIP):c.312C>G (p.Ile104Met)

Gene: TRAIP (TRAF interacting protein; minus strand). Cytogenetic location: 3p21.31.
Variant type: single nucleotide variant.
Coding change: c.312C>G on transcript NM_005879.3 (MANE Select); coding-DNA position 312, C replaced by G.
Protein change: p.Ile104Met; replaces isoleucine 104 with methionine.
Molecular consequence: missense variant.
Genome position (GRCh38, 1-based): chr3:49,843,897, G>C on the plus strand (C>G on the coding strand, the complement: TRAIP is on the minus strand). VCF-style: chr3-49843897-G-C. GRCh37 (hg19) VCF-style: chr3-49881330-G-C.
Other names: c.312C>G (NM_005879.2); short protein forms I104M.
Identifiers: ClinVar variation 2416545 (VCV002416545.5), dbSNP rs374213804, ClinGen allele CA2407861.

ClinVar aggregate classification (germline): Uncertain significance. Review status: criteria provided, multiple submitters, no conflicts (2 of 4 stars). 2 submissions from 2 submitters: Uncertain significance (2). Last evaluated 2023-11-21.

Conditions:
Inborn genetic diseases. Identifiers: MedGen C0950123, MeSH D030342.

Allele frequency attached by ClinVar (database versions not stated): ESP Exome Variant Server 0.00015.
gnomAD v4.1: 53 of 1,611,986 alleles (0.0033%); highest among the groups gnomAD compares: Admixed American, 0.0067%; no homozygotes.

Submissions (2):

Ambry Genetics
Classification: Uncertain significance for Inborn genetic diseases. Last evaluated: 2023-11-21. Review status: criteria provided, single submitter. Criteria: Ambry Variant Classification Scheme 2023. Collection method: clinical testing. Allele origin: germline.

Labcorp Genetics (formerly Invitae), Labcorp
Classification: Uncertain significance. Last evaluated: 2022-03-29. Review status: criteria provided, single submitter. Criteria: Invitae Variant Classification Sherloc (09022015). Collection method: clinical testing. Allele origin: germline.
Comment: This sequence change replaces isoleucine, which is neutral and non-polar, with methionine, which is neutral and non-polar, at codon 104 of the TRAIP protein (p.Ile104Met). This variant is present in population databases (rs374213804, gnomAD 0.01%). This variant has not been reported in the literature in individuals affected with TRAIP-related conditions. Algorithms developed to predict the effect of missense changes on protein structure and function (SIFT, PolyPhen-2, Align-GVGD) all suggest that this variant is likely to be tolerated. In summary, the available evidence is currently insufficient to determine the role of this variant in disease. Therefore, it has been classified as a Variant of Uncertain Significance.